The following is an entry in ClinVar:

NM_001145715.3(KPNA7):c.1441A>G (p.Ile481Val)

Gene: KPNA7 (karyopherin subunit alpha 7; minus strand). Cytogenetic location: 7q22.1.
Variant type: single nucleotide variant.
Coding change: c.1441A>G on transcript NM_001145715.3 (MANE Select); coding-DNA position 1441, A replaced by G.
Protein change: p.Ile481Val; replaces isoleucine 481 with valine.
Molecular consequence: missense variant.
Genome position (GRCh38, 1-based): chr7:99,177,943, T>C on the plus strand (A>G on the coding strand, the complement: KPNA7 is on the minus strand). VCF-style: chr7-99177943-T-C. GRCh37 (hg19) VCF-style: chr7-98775566-T-C.
Other names: short protein forms I481V.
Identifiers: ClinVar variation 1940729 (VCV001940729.3), dbSNP rs1201687668, ClinGen allele CA368417066.

ClinVar aggregate classification (germline): Uncertain significance (1 of 4 stars; one submission).

Allele frequency attached by ClinVar (database versions not stated): gnomAD 0.00001; gnomAD exomes 0.00001; TOPMed 0.00001.
gnomAD v4.1: 4 of 1,551,922 alleles (0.00026%); highest among the groups gnomAD compares: Admixed American, 0.0078%; no homozygotes.

Submission:

Labcorp Genetics (formerly Invitae), Labcorp
Classification: Uncertain significance. Last evaluated: 2024-12-12. Review status: criteria provided, single submitter. Criteria: Invitae Variant Classification Sherloc (09022015). Collection method: clinical testing. Allele origin: germline.
Comment: This sequence change replaces isoleucine, which is neutral and non-polar, with valine, which is neutral and non-polar, at codon 481 of the KPNA7 protein (p.Ile481Val). This variant is present in population databases (no rsID available, gnomAD 0.01%). This missense change has been observed in individual(s) with autosomal recessive developmental and epileptic encephalopathy (internal data). ClinVar contains an entry for this variant (Variation ID: 1940729). Invitae Evidence Modeling of protein sequence and biophysical properties (such as structural, functional, and spatial information, amino acid conservation, physicochemical variation, residue mobility, and thermodynamic stability) has been performed for this missense variant. However, the output from this modeling did not meet the statistical confidence thresholds required to predict the impact of this variant on KPNA7 protein function. In summary, the available evidence is currently insufficient to determine the role of this variant in disease. Therefore, it has been classified as a Variant of Uncertain Significance.